The following is an entry in ClinVar:

NM_003118.4(SPARC):c.250G>A (p.Glu84Lys)

Gene: SPARC (secreted protein acidic and cysteine rich; minus strand). Cytogenetic location: 5q33.1.
Variant type: single nucleotide variant.
Coding change: c.250G>A on transcript NM_003118.4 (MANE Select); coding-DNA position 250, G replaced by A.
Protein change: p.Glu84Lys; replaces glutamic acid 84 with lysine.
Molecular consequence: missense variant.
Genome position (GRCh38, 1-based): chr5:151,671,653, C>T on the plus strand (G>A on the coding strand, the complement: SPARC is on the minus strand). VCF-style: chr5-151671653-C-T. GRCh37 (hg19) VCF-style: chr5-151051214-C-T.
Other names: c.247G>A, p.Glu83Lys (NM_001309443.2); c.250G>A, p.Glu84Lys (NM_001309444.2); short protein forms E84K, E83K.
Identifiers: ClinVar variation 1525287 (VCV001525287.3), dbSNP rs754817963, ClinGen allele CA3522760.

ClinVar aggregate classification (germline): Uncertain significance (1 of 4 stars; one submission).

Allele frequency attached by ClinVar (database versions not stated): gnomAD exomes below 0.00001 and 0.00001; ExAC 0.00001; gnomAD 0.00001; TOPMed 0.00002.
gnomAD v4.1: 12 of 1,612,894 alleles (0.00074%); highest among the groups gnomAD compares: Middle Eastern, 0.033%; no homozygotes.

Submission:

Labcorp Genetics (formerly Invitae), Labcorp
Classification: Uncertain significance. Last evaluated: 2021-12-06. Review status: criteria provided, single submitter. Criteria: Invitae Variant Classification Sherloc (09022015). Collection method: clinical testing. Allele origin: germline.
Comment: This sequence change replaces glutamic acid, which is acidic and polar, with lysine, which is basic and polar, at codon 84 of the SPARC protein (p.Glu84Lys). This variant is present in population databases (rs754817963, gnomAD 0.01%). This variant has not been reported in the literature in individuals affected with SPARC-related conditions. Algorithms developed to predict the effect of missense changes on protein structure and function are either unavailable or do not agree on the potential impact of this missense change (SIFT: "Tolerated"; PolyPhen-2: "Probably Damaging"; Align-GVGD: "Class C0"). In summary, the available evidence is currently insufficient to determine the role of this variant in disease. Therefore, it has been classified as a Variant of Uncertain Significance.